The following is an entry in ClinVar:

NM_001040142.2(SCN2A):c.645G>A (p.Ala215=)

Gene: SCN2A (sodium voltage-gated channel alpha subunit 2; plus strand). Cytogenetic location: 2q24.3.
Variant type: single nucleotide variant.
Coding change: c.645G>A on transcript NM_001040142.2 (MANE Select); coding-DNA position 645, G replaced by A.
Protein change: p.Ala215=; no amino-acid change (alanine 215 retained).
Molecular consequence: synonymous variant. On other transcripts: intron variant (2).
Genome position (GRCh38, 1-based): chr2:165,309,391, G>A. VCF-style: chr2-165309391-G-A. GRCh37 (hg19) VCF-style: chr2-166165901-G-A.
Other names: c.645G>A, p.Ala215= (NM_001371247.1, NM_021007.3); c.697+135G>A (NM_001040143.2, NM_001371246.1).
Identifiers: ClinVar variation 808843 (VCV000808843.51), dbSNP rs370724112, ClinGen allele CA1939670.
Genomic context (GRCh38, chr2:165,309,391, plus strand): 5'-TGTGTGAACCCCCTATTACAGATATGTGACAGAGTTTGTGGACCTGGGCAATGTCTCAGC[G>A]TTGAGAACATTCAGAGTTCTCCGAGCATTGAAAACAATTTCAGTCATTCCAGGTGAGAGC-3'
Protein context (NP_001035232.1, residues 205-225): TEFVDLGNVS[Ala215=]LRTFRVLRAL

ClinVar aggregate classification (germline): Likely benign. Review status: criteria provided, multiple submitters, no conflicts (2 of 4 stars). 3 submissions from 3 submitters: Likely benign (3). Last evaluated 2025-01-08.

Conditions:
Seizures, benign familial infantile, 3 (BFIS3). Also called: CONVULSIONS, BENIGN FAMILIAL INFANTILE, 3; Familial neonatal seizures. Identifiers: Orphanet 140927, Orphanet 306, MedGen C1843140, MONDO:0011904, OMIM 607745.
Developmental and epileptic encephalopathy, 11 (DEE11). Also called: Early infantile epileptic encephalopathy 11. Identifiers: Orphanet 1934, MedGen C3150987, MONDO:0013388, OMIM 613721.

Allele frequency attached by ClinVar (database versions not stated): TOPMed 0.00003; ExAC 0.00008; 1000 Genomes Project 30x 0.00031; 1000 Genomes Project 0.00040.
gnomAD v4.1: 53 of 1,613,674 alleles (0.0033%); highest among the groups gnomAD compares: Admixed American, 0.025%; no homozygotes.

Submissions (3):

Labcorp Genetics (formerly Invitae), Labcorp
Classification: Likely benign for Seizures, benign familial infantile, 3; Developmental and epileptic encephalopathy, 11. Last evaluated: 2025-01-08. Review status: criteria provided, single submitter. Criteria: Invitae Variant Classification Sherloc (09022015). Collection method: clinical testing. Allele origin: germline.

CeGaT Center for Human Genetics Tuebingen
Classification: Likely benign. Last evaluated: 2023-10-01. Review status: criteria provided, single submitter. Criteria: CeGaT Center For Human Genetics Tuebingen Variant Classification Criteria Version 2. Collection method: clinical testing. Allele origin: germline. Affected: yes. Observed: 2 variant alleles.
Comment: SCN2A: BP4, BP7

GeneDx
Classification: Likely benign. Last evaluated: 2020-09-11. Review status: criteria provided, single submitter. Criteria: GeneDx Variant Classification Process June 2021. Collection method: clinical testing. Allele origin: germline. Affected: yes.